The following is an entry in ClinVar:

ClinVar aggregate classification (germline): Uncertain significance (1 of 4 stars; one submission).

Submission:

GeneDx
Classification: Uncertain significance. Last evaluated: 2026-03-22. Review status: criteria provided, single submitter. Criteria: GeneDx Variant Classification Process June 2021. Collection method: clinical testing. Allele origin: germline.
Comment: Not observed at significant frequency in large population cohorts (gnomAD); In silico analysis supports that this missense variant has a deleterious effect on protein structure/function; Has not been previously published as pathogenic or benign to our knowledge

NM_000069.3(CACNA1S):c.107T>A (p.Leu36Gln)

Gene: CACNA1S (calcium voltage-gated channel subunit alpha1 S; minus strand). Cytogenetic location: 1q32.1.
Variant type: single nucleotide variant.
Coding change: c.107T>A on transcript NM_000069.3 (MANE Select); coding-DNA position 107, T replaced by A.
Protein change: p.Leu36Gln; replaces leucine 36 with glutamine.
Molecular consequence: missense variant.
Genome position (GRCh38, 1-based): chr1:201,112,233, A>T on the plus strand (T>A on the coding strand, the complement: CACNA1S is on the minus strand). VCF-style: chr1-201112233-A-T. GRCh37 (hg19) VCF-style: chr1-201081361-A-T.
Other names: short protein forms L36Q.
Identifiers: ClinVar variation 5016950 (VCV005016950.1).
Genomic context (GRCh38, chr1:201,112,233, plus strand): 5'-GGCCCTGAAGGATACTTCCATTCTACAATGCTGATGCAGGCCTTCCTCAGGGGGTTCTCC[A>T]GGGTCAGGCAGAACAAGGCCCGGGGTGGCCTTGGCAGAATCTCAGGAACTGGCTTCTTGG-3'
Protein context (NP_000060.2, residues 26-46): RPPRALFCLT[Leu36Gln]ENPLRKACIS